The following is an entry in ClinVar:

ClinVar aggregate classification (germline): Uncertain significance (1 of 4 stars; one submission).

Submission:

GeneDx
Classification: Uncertain significance. Last evaluated: 2023-06-06. Review status: criteria provided, single submitter. Criteria: GeneDx Variant Classification Process June 2021. Collection method: clinical testing. Allele origin: germline. Affected: yes.
Comment: Not observed at significant frequency in large population cohorts (gnomAD); In silico analysis supports that this missense variant has a deleterious effect on protein structure/function; Has not been previously published as pathogenic or benign to our knowledge

NM_030912.3(TRIM8):c.50T>C (p.Ile17Thr)

Gene: TRIM8 (tripartite motif containing 8; plus strand). Cytogenetic location: 10q24.32.
Variant type: single nucleotide variant.
Coding change: c.50T>C on transcript NM_030912.3 (MANE Select); coding-DNA position 50, T replaced by C.
Protein change: p.Ile17Thr; replaces isoleucine 17 with threonine.
Molecular consequence: missense variant. On other transcripts: non-coding transcript variant (1).
Genome position (GRCh38, 1-based): chr10:102,644,667, T>C. VCF-style: chr10-102644667-T-C. GRCh37 (hg19) VCF-style: chr10-104404424-T-C.
Other names: c.50T>C, p.Ile17Thr (NM_001345950.1); short protein forms I17T.
Identifiers: ClinVar variation 3359589 (VCV003359589.1).
Genomic context (GRCh38, chr10:102,644,667, plus strand): 5'-CCGCGGCCGCCATGGCGGAGAATTGGAAGAACTGCTTCGAGGAGGAGCTCATCTGCCCTA[T>C]CTGCCTGCACGTTTTCGTGGAGCCAGTGCAGCTGCCGTGCAAACACAACTTCTGCCGGGG-3'
Protein context (NP_112174.2, residues 7-27): NCFEEELICP[Ile17Thr]CLHVFVEPVQ